The following is an entry in ClinVar:

ClinVar aggregate classification (germline): Likely benign (0 of 4 stars; one submission).

Conditions:
MYCN-related disorder. Also called: MYCN-related condition.

Allele frequency attached by ClinVar (database versions not stated): gnomAD exomes 0.00001.
gnomAD v4.1: 17 of 1,614,142 alleles (0.0011%); highest among the groups gnomAD compares: Non-Finnish European, 0.0014%; no homozygotes.

Submission:

PreventionGenetics, part of Exact Sciences
Classification: Likely benign for MYCN-related condition. Last evaluated: 2020-04-20. Review status: no assertion criteria provided. Collection method: clinical testing. Allele origin: germline.
Comment: This variant is classified as likely benign based on ACMG/AMP sequence variant interpretation guidelines (Richards et al. 2015 PMID: 25741868, with internal and published modifications).

NM_005378.6(MYCN):c.888A>T (p.Thr296=)

Gene: MYCN (MYCN proto-oncogene, bHLH transcription factor; plus strand). Cytogenetic location: 2p24.3.
Variant type: single nucleotide variant.
Coding change: c.888A>T on transcript NM_005378.6 (MANE Select); coding-DNA position 888, A replaced by T.
Protein change: p.Thr296=; no amino-acid change (threonine 296 retained).
Molecular consequence: synonymous variant. On other transcripts: 3 prime UTR variant (1).
Genome position (GRCh38, 1-based): chr2:15,945,590, A>T. VCF-style: chr2-15945590-A-T. GRCh37 (hg19) VCF-style: chr2-16085712-A-T.
Other names: c.888A>T, p.Thr296= (NM_001293228.2); c.255A>T, p.Thr85= (NM_001293231.2); c.*823A>T (NM_001293233.2).
Identifiers: ClinVar variation 3054375 (VCV003054375.2), dbSNP rs1231947139, ClinGen allele CA425057096.
Genomic context (GRCh38, chr2:15,945,590, plus strand): 5'-AATCGACGTGGTCACTGTGGAGAAGCGGCGTTCCTCCTCCAACACCAAGGCTGTCACCAC[A>T]TTCACCATCACTGTGCGTCCCAAGAACGCAGCCCTGGGTCCCGGGAGGGCTCAGTCCAGC-3'
Protein context (NP_005369.2, residues 286-306): RSSSNTKAVT[Thr296=]FTITVRPKNA